The following is an entry in ClinVar:

ClinVar aggregate classification (germline): Likely benign (1 of 4 stars; one submission).

Submission:

Mayo Clinic Laboratories, Mayo Clinic
Classification: Likely benign. Last evaluated: 2025-05-06. Review status: criteria provided, single submitter. Criteria: ACMG Guidelines, 2015. Collection method: clinical testing. Allele origin: germline. Observed: 1 variant allele.
Comment: BP4, BP7

NM_005866.4(SIGMAR1):c.654C>A (p.Leu218=)

Gene: SIGMAR1 (sigma non-opioid intracellular receptor 1; minus strand). Cytogenetic location: 9p13.3.
Variant type: single nucleotide variant.
Coding change: c.654C>A on transcript NM_005866.4 (MANE Select); coding-DNA position 654, C replaced by A.
Protein change: p.Leu218=; no amino-acid change (leucine 218 retained).
Molecular consequence: synonymous variant. On other transcripts: 3 prime UTR variant (2), non-coding transcript variant (1), intron variant (1).
Genome position (GRCh38, 1-based): chr9:34,635,650, G>T on the plus strand (C>A on the coding strand, the complement: SIGMAR1 is on the minus strand). VCF-style: chr9-34635650-G-T. GRCh37 (hg19) VCF-style: chr9-34635647-G-T.
Other names: p.Leu218=; c.354C>A, p.Leu118= (NM_001282206.2); c.594C>A, p.Leu198= (NM_001282207.2); c.*197C>A (NM_001282208.2); c.*181C>A (NM_001282209.2); c.561C>A, p.Leu187= (NM_147157.3); c.446-10C>A (NM_001282205.2).
Identifiers: ClinVar variation 4683392 (VCV004683392.1).
Genomic context (GRCh38, chr9:34,635,650, plus strand): 5'-CCGCTCCTGTCTATCCGCAGGTCTTCCTTCAGGCCTGGCTGGTCAAGGGTCCTGGCCAAA[G>T]AGGTAGGTGGTGAGCTCAAGCCGGAGGCCCCGAGCATAGGAGCGAAGAGTATAGAAGAGG-3'
Protein context (NP_005857.1, residues 208-223): RGLRLELTTY[Leu218=]FGQDP